The following is an entry in ClinVar:

NM_012193.4(FZD4):c.1505A>C (p.His502Pro)

Genes: PRSS23 (serine protease 23; plus strand), FZD4 (frizzled class receptor 4; minus strand). Cytogenetic location: 11q14.2.
Variant type: single nucleotide variant.
Coding change: c.1505A>C on transcript NM_012193.4 (MANE Select); coding-DNA position 1505, A replaced by C.
Protein change: p.His502Pro; replaces histidine 502 with proline.
Molecular consequence: missense variant. On other transcripts: non-coding transcript variant (2).
Genome position (GRCh38, 1-based): chr11:86,951,251, T>G on the plus strand (A>C on the coding strand, the complement: FZD4 is on the minus strand). VCF-style: chr11-86951251-T-G. GRCh37 (hg19) VCF-style: chr11-86662293-T-G.
Other names: c.1505A>C (NM_012193.3); short protein forms H502P.
Identifiers: ClinVar variation 1966219 (VCV001966219.7), dbSNP rs1949288463, ClinGen allele CA382011029.

ClinVar aggregate classification (germline): Uncertain significance. Review status: criteria provided, multiple submitters, no conflicts (2 of 4 stars). 3 submissions from 3 submitters: Uncertain significance (3). Last evaluated 2026-01-12.

Conditions:
Inborn genetic diseases. Identifiers: MedGen C0950123, MeSH D030342.
Exudative vitreoretinopathy 1 (EVR1). Also called: CRISWICK-SCHEPENS SYNDROME; FEVR, AUTOSOMAL DOMINANT; Familial exudative vitreoretinopathy, autosomal dominant. Identifiers: Orphanet 891, Orphanet 90050, MedGen C1851402, MONDO:0007589, OMIM 133780.

Submissions (3):

Labcorp Genetics (formerly Invitae), Labcorp
Classification: Uncertain significance. Last evaluated: 2026-01-12. Review status: criteria provided, single submitter. Criteria: Invitae Variant Classification Sherloc (09022015). Collection method: clinical testing. Allele origin: germline.
Comment: This sequence change replaces histidine, which is basic and polar, with proline, which is neutral and non-polar, at codon 502 of the FZD4 protein (p.His502Pro). This variant is not present in population databases (gnomAD no frequency). This variant has not been reported in the literature in individuals affected with FZD4-related conditions. ClinVar contains an entry for this variant (Variation ID: 1966219). Invitae Evidence Modeling of protein sequence and biophysical properties (such as structural, functional, and spatial information, amino acid conservation, physicochemical variation, residue mobility, and thermodynamic stability) indicates that this missense variant is not expected to disrupt FZD4 protein function with a negative predictive value of 80%. In summary, the available evidence is currently insufficient to determine the role of this variant in disease. Therefore, it has been classified as a Variant of Uncertain Significance.

Genomic Medicine Center of Excellence, King Faisal Specialist Hospital and Research Centre
Classification: Uncertain significance for Exudative vitreoretinopathy 1. Last evaluated: 2025-09-10. Review status: criteria provided, single submitter. Criteria: ACMG Guidelines, 2015. Collection method: clinical testing. Allele origin: germline.

Ambry Genetics
Classification: Uncertain significance for Inborn genetic diseases. Last evaluated: 2025-08-06. Review status: criteria provided, single submitter. Criteria: Ambry Variant Classification Scheme 2023. Collection method: clinical testing. Allele origin: germline.